The following is an entry in ClinVar:

ClinVar aggregate classification (germline): Uncertain significance (1 of 4 stars; one submission).

Allele frequency attached by ClinVar (database versions not stated): gnomAD exomes 0.00002; TOPMed 0.00004; ExAC 0.00007.
gnomAD v4.1: 17 of 1,211,458 alleles (0.0014%); highest among the groups gnomAD compares: Admixed American, 0.035%; no homozygotes.

Submission:

Labcorp Genetics (formerly Invitae), Labcorp
Classification: Uncertain significance. Last evaluated: 2025-09-09. Review status: criteria provided, single submitter. Criteria: Invitae Variant Classification Sherloc (09022015). Collection method: clinical testing. Allele origin: germline.
Comment: This sequence change replaces arginine, which is basic and polar, with glycine, which is neutral and non-polar, at codon 119 of the NDUFB11 protein (p.Arg119Gly). This variant is present in population databases (rs782722665, gnomAD 0.05%), and has an allele count higher than expected for a pathogenic variant. This variant has not been reported in the literature in individuals affected with NDUFB11-related conditions. ClinVar contains an entry for this variant (Variation ID: 2050306). An algorithm developed to predict the effect of missense changes on protein structure and function outputs the following: PolyPhen-2: "Benign". The glycine amino acid residue is found in multiple mammalian species, which suggests that this missense change does not adversely affect protein function. In summary, the available evidence is currently insufficient to determine the role of this variant in disease. Therefore, it has been classified as a Variant of Uncertain Significance.

NM_001135998.3(NDUFB11):c.338+17A>G

Gene: NDUFB11 (NADH:ubiquinone oxidoreductase subunit B11; minus strand). Cytogenetic location: Xp11.3.
Variant type: single nucleotide variant.
Coding change: c.338+17A>G on transcript NM_001135998.3 (MANE Select); 17 bases into the intron after coding-DNA position 338, A replaced by G.
Molecular consequence: intron variant. On other transcripts: missense variant (1).
Genome position (GRCh38, 1-based): chrX:47,142,597, T>C on the plus strand (A>G on the coding strand, the complement: NDUFB11 is on the minus strand). VCF-style: chrX-47142597-T-C. GRCh37 (hg19) VCF-style: chrX-47001996-T-C.
Other names: c.355A>G, p.Arg119Gly (NM_019056.7); short protein forms R119G.
Identifiers: ClinVar variation 2050306 (VCV002050306.4), dbSNP rs782722665, ClinGen allele CA10394903.